The following is an entry in ClinVar:

NM_003995.4(NPR2):c.1404C>G (p.Ile468Met)

Gene: NPR2 (natriuretic peptide receptor 2; plus strand). Cytogenetic location: 9p13.3.
Variant type: single nucleotide variant.
Coding change: c.1404C>G on transcript NM_003995.4 (MANE Select); coding-DNA position 1404, C replaced by G.
Protein change: p.Ile468Met; replaces isoleucine 468 with methionine.
Molecular consequence: missense variant.
Genome position (GRCh38, 1-based): chr9:35,801,122, C>G. VCF-style: chr9-35801122-C-G. GRCh37 (hg19) VCF-style: chr9-35801119-C-G.
Other names: c.1404C>G, p.Ile468Met (NM_001378923.1); short protein forms I468M.
Identifiers: ClinVar variation 4788514 (VCV004788514.1).

ClinVar aggregate classification (germline): Uncertain significance (1 of 4 stars; one submission).

Conditions:
Tall stature-scoliosis-macrodactyly of the great toes syndrome. Also called: Epiphyseal chondrodysplasia, miura type. Identifiers: Orphanet 329191, MedGen C4014690, MONDO:0014401, OMIM 615923.
Acromesomelic dysplasia 1, Maroteaux type (AMD1). Also called: ST. HELENA DYSPLASIA; ACROMESOMELIC DYSPLASIA 1. Identifiers: Orphanet 40, MedGen C1864356, MONDO:0011275, OMIM 602875.

gnomAD v4.1: 5 of 1,614,100 alleles (0.00031%); highest among the groups gnomAD compares: Non-Finnish European, 0.00042%; no homozygotes.

Submission:

Labcorp Genetics (formerly Invitae), Labcorp
Classification: Uncertain significance for Tall stature-scoliosis-macrodactyly of the great toes syndrome; Acromesomelic dysplasia 1, Maroteaux type. Last evaluated: 2025-02-13. Review status: criteria provided, single submitter. Criteria: Invitae Variant Classification Sherloc (09022015). Collection method: clinical testing. Allele origin: germline.
Comment: This sequence change replaces isoleucine, which is neutral and non-polar, with methionine, which is neutral and non-polar, at codon 468 of the NPR2 protein (p.Ile468Met). This variant is present in population databases (no rsID available, gnomAD 0.0009%). This variant has not been reported in the literature in individuals affected with NPR2-related conditions. Invitae Evidence Modeling of protein sequence and biophysical properties (such as structural, functional, and spatial information, amino acid conservation, physicochemical variation, residue mobility, and thermodynamic stability) indicates that this missense variant is not expected to disrupt NPR2 protein function with a negative predictive value of 80%. In summary, the available evidence is currently insufficient to determine the role of this variant in disease. Therefore, it has been classified as a Variant of Uncertain Significance.